The following is an entry in ClinVar:

NM_001130823.3(DNMT1):c.794C>T (p.Thr265Ile)

Gene: DNMT1 (DNA methyltransferase 1; minus strand). Cytogenetic location: 19p13.2.
Variant type: single nucleotide variant.
Coding change: c.794C>T on transcript NM_001130823.3 (MANE Select); coding-DNA position 794, C replaced by T.
Protein change: p.Thr265Ile; replaces threonine 265 with isoleucine.
Molecular consequence: missense variant.
Genome position (GRCh38, 1-based): chr19:10,168,339, G>A on the plus strand (C>T on the coding strand, the complement: DNMT1 is on the minus strand). VCF-style: chr19-10168339-G-A. GRCh37 (hg19) VCF-style: chr19-10279015-G-A.
Other names: c.746C>T, p.Thr249Ile (NM_001318730.2, NM_001379.4); c.431C>T, p.Thr144Ile (NM_001318731.2); short protein forms T249I, T144I, T265I.
Identifiers: ClinVar variation 1044709 (VCV001044709.8), dbSNP rs2038736180, ClinGen allele CA403942713.

ClinVar aggregate classification (germline): Uncertain significance (1 of 4 stars; one submission).

Conditions:
Hereditary sensory neuropathy-deafness-dementia syndrome. Also called: NEUROPATHY, HEREDITARY SENSORY, WITH HEARING LOSS AND DEMENTIA; Hereditary sensory neuropathy type IE; Hereditary Sensory and Autonomic Neuropathy Type 1E (HSAN1E); HSN IE. Identifiers: Orphanet 456318, MedGen C3279885, MONDO:0013584, OMIM 614116.

Allele frequency attached by ClinVar (database versions not stated): gnomAD exomes below 0.00001; gnomAD 0.00001.
gnomAD v4.1: 2 of 1,613,988 alleles (0.00012%); highest among the groups gnomAD compares: African/African-American, 0.0027%; no homozygotes.

Submission:

Labcorp Genetics (formerly Invitae), Labcorp
Classification: Uncertain significance for Hereditary sensory neuropathy-deafness-dementia syndrome. Last evaluated: 2020-09-08. Review status: criteria provided, single submitter. Criteria: Invitae Variant Classification Sherloc (09022015). Collection method: clinical testing. Allele origin: germline.
Comment: In summary, the available evidence is currently insufficient to determine the role of this variant in disease. Therefore, it has been classified as a Variant of Uncertain Significance. Algorithms developed to predict the effect of missense changes on protein structure and function are either unavailable or do not agree on the potential impact of this missense change (SIFT: "Tolerated"; PolyPhen-2: "Possibly Damaging"; Align-GVGD: "Class C0"). This variant has not been reported in the literature in individuals with DNMT1-related conditions. This variant is not present in population databases (ExAC no frequency). This sequence change replaces threonine with isoleucine at codon 265 of the DNMT1 protein (p.Thr265Ile). The threonine residue is moderately conserved and there is a moderate physicochemical difference between threonine and isoleucine.